The following is an entry in ClinVar:

NM_006420.3(ARFGEF2):c.*494G>A

Gene: ARFGEF2 (ARF guanine nucleotide exchange factor 2; plus strand). Cytogenetic location: 20q13.13.
Variant type: single nucleotide variant.
Coding change: c.*494G>A on transcript NM_006420.3 (MANE Select); 494 bases downstream of the stop codon, G replaced by A.
Molecular consequence: 3 prime UTR variant.
Genome position (GRCh38, 1-based): chr20:49,033,693, G>A. VCF-style: chr20-49033693-G-A. GRCh37 (hg19) VCF-style: chr20-47650230-G-A.
Identifiers: ClinVar variation 338715 (VCV000338715.5), dbSNP rs55874131, ClinGen allele CA10652613.
Genomic context (GRCh38, chr20:49,033,693, plus strand): 5'-TATGCTGGGTTTTCTGTTGTTTGAGTGTGTTAGAGAAATTTGAATGTTTTTGTCAGTTAC[G>A]AGTCAGCCGTAATTAGATTAGTTTAAGGACAGGTCAGGATTAGAGAAGAGTTGTTTTTGT-3'

ClinVar aggregate classification (germline): Benign (1 of 4 stars; one submission).

Conditions:
Periventricular heterotopia with microcephaly, autosomal recessive (ARPHM). Also called: PERIVENTRICULAR NODULAR HETEROTOPIA 2; Periventricular heterotopia with microcephaly. Identifiers: Orphanet 2149, MedGen C1842563, MONDO:0011966, OMIM 608097.

Allele frequency attached by ClinVar (database versions not stated): gnomAD exomes 0.00668; gnomAD 0.04572 and 0.04885; 1000 Genomes Project 0.04992; TOPMed 0.05323; 1000 Genomes Project 30x 0.05403.
gnomAD v4.1: 6,972 of 162,536 alleles (4.3%); highest among the groups gnomAD compares: African/African-American, 15%; 476 homozygotes.

Submission:

Illumina Laboratory Services, Illumina
Classification: Benign for Periventricular heterotopia with microcephaly, autosomal recessive. Last evaluated: 2018-01-13. Review status: criteria provided, single submitter. Criteria: ICSL Variant Classification Criteria 13 December 2019. Collection method: clinical testing. Allele origin: germline.
Comment: This variant was observed in the ICSL laboratory as part of a predisposition screen in an ostensibly healthy population. It had not been previously curated by ICSL or reported in the Human Gene Mutation Database (HGMD: prior to June 1st, 2018), and was therefore a candidate for classification through an automated scoring system. Utilizing variant allele frequency, disease prevalence and penetrance estimates, and inheritance mode, an automated score was calculated to assess if this variant is too frequent to cause the disease. Based on the score and internal cut-off values, a variant classified as benign is not then subjected to further curation. The score for this variant resulted in a classification of benign for this disease.